The following is an entry in ClinVar:

NM_024649.5(BBS1):c.172G>C (p.Asp58His)

Gene: BBS1 (Bardet-Biedl syndrome 1; plus strand). Cytogenetic location: 11q13.2.
Variant type: single nucleotide variant.
Coding change: c.172G>C on transcript NM_024649.5 (MANE Select); coding-DNA position 172, G replaced by C.
Protein change: p.Asp58His; replaces aspartic acid 58 with histidine.
Molecular consequence: missense variant.
Genome position (GRCh38, 1-based): chr11:66,514,418, G>C. VCF-style: chr11-66514418-G-C. GRCh37 (hg19) VCF-style: chr11-66281889-G-C.
Other names: short protein forms D58H.
Identifiers: ClinVar variation 3042727 (VCV003042727.4), dbSNP rs776917681, ClinGen allele CA6123283.

ClinVar aggregate classification (germline): Uncertain significance. Review status: criteria provided, multiple submitters, no conflicts (2 of 4 stars). 2 submissions from 2 submitters: Uncertain significance (2). Last evaluated 2025-07-02.

Conditions:
BBS1-related disorder. Also called: BBS1-related condition.
Bardet-Biedl syndrome 1 (BBS1). Identifiers: MedGen C2936862, MONDO:0008854, OMIM 209900. Disease mechanism: loss of function.

Allele frequency attached by ClinVar (database versions not stated): ExAC 0.00002; TOPMed 0.00003; gnomAD 0.00004.
gnomAD v4.1: 11 of 1,613,954 alleles (0.00068%); highest among the groups gnomAD compares: African/African-American, 0.012%; no homozygotes.

Submissions (2):

PreventionGenetics, part of Exact Sciences
Classification: Uncertain significance for BBS1-related condition. Last evaluated: 2025-07-02. Review status: criteria provided, single submitter. Criteria: ACMG Guidelines, 2015. Collection method: clinical testing. Allele origin: germline.
Comment: The BBS1 c.172G>C variant is predicted to result in the amino acid substitution p.Asp58His. To our knowledge, this variant has not been reported in the literature. This variant is reported in 0.024% of alleles in individuals of African descent in gnomAD. At this time, the clinical significance of this variant is uncertain due to the absence of conclusive functional and genetic evidence.

Fulgent Genetics
Classification: Uncertain significance for Bardet-Biedl syndrome 1. Last evaluated: 2024-05-21. Review status: criteria provided, single submitter. Criteria: ACMG Guidelines, 2015. Collection method: clinical testing. Allele origin: germline.